The following is an entry in ClinVar:

ClinVar aggregate classification (germline): Conflicting classifications of pathogenicity. Review status: criteria provided, conflicting classifications (1 of 4 stars). 5 submissions from 5 submitters: Uncertain significance (1); Likely benign (4). Last evaluated 2025-02-25.

Conditions:
Cardiomyopathy, dilated, 2E. Identifiers: MedGen C5561970, MONDO:0030366, OMIM 619492.
Hypertrophic cardiomyopathy 17. Identifiers: MedGen C3151264, MONDO:0013474, OMIM 613873.
Cardiovascular phenotype. Identifiers: MedGen CN230736.
Hypertrophic cardiomyopathy. Also called: HYPERTROPHIC MYOCARDIOPATHY. Identifiers: Orphanet 217569, MedGen C0007194, MeSH D002312, MONDO:0005045, HP:0001639.

Allele frequency attached by ClinVar (database versions not stated): gnomAD 0.00001; TOPMed 0.00002.
gnomAD v4.1: 18 of 1,394,916 alleles (0.0013%); highest among the groups gnomAD compares: Non-Finnish European, 0.0015%; no homozygotes.

Submissions (5):

Mayo Clinic Laboratories, Mayo Clinic
Classification: Likely benign. Last evaluated: 2025-02-25. Review status: criteria provided, single submitter. Criteria: ACMG Guidelines, 2015. Collection method: clinical testing. Allele origin: germline. Observed: 1 variant allele.
Comment: BP4, BP7

Fulgent Genetics
Classification: Uncertain significance for Hypertrophic cardiomyopathy 17; Cardiomyopathy, dilated, 2E. Last evaluated: 2024-06-11. Review status: criteria provided, single submitter. Criteria: ACMG Guidelines, 2015. Collection method: clinical testing. Allele origin: germline.

Labcorp Genetics (formerly Invitae), Labcorp
Classification: Likely benign for Hypertrophic cardiomyopathy. Last evaluated: 2023-11-08. Review status: criteria provided, single submitter. Criteria: Invitae Variant Classification Sherloc (09022015). Collection method: clinical testing. Allele origin: germline.

Ambry Genetics
Classification: Likely benign for Cardiovascular phenotype. Last evaluated: 2023-06-23. Review status: criteria provided, single submitter. Criteria: Ambry Variant Classification Scheme 2023. Collection method: clinical testing. Allele origin: germline.

Blueprint Genetics
Classification: Likely benign. Last evaluated: 2023-02-09. Review status: criteria provided, single submitter. Criteria: ACMG Guidelines, 2015. Collection method: clinical testing. Allele origin: germline.

NM_020433.5(JPH2):c.1461G>A (p.Pro487=)

Gene: JPH2 (junctophilin 2; minus strand). Cytogenetic location: 20q13.12.
Variant type: single nucleotide variant.
Coding change: c.1461G>A on transcript NM_020433.5 (MANE Select); coding-DNA position 1461, G replaced by A.
Protein change: p.Pro487=; no amino-acid change (proline 487 retained).
Molecular consequence: synonymous variant.
Genome position (GRCh38, 1-based): chr20:44,116,214, C>T on the plus strand (G>A on the coding strand, the complement: JPH2 is on the minus strand). VCF-style: chr20-44116214-C-T. GRCh37 (hg19) VCF-style: chr20-42744854-C-T.
Other names: p.Pro487=.
Identifiers: ClinVar variation 524943 (VCV000524943.13), dbSNP rs781613132, ClinGen allele CA314642668.